The following is an entry in ClinVar:

ClinVar aggregate classification (germline): Uncertain significance. Review status: criteria provided, single submitter (1 of 4 stars). 2 submissions from 2 submitters: Uncertain significance (1). 1 of the submissions does not count toward it. Last evaluated 2022-01-21.

Conditions:
TRIOBP-related disorder. Also called: TRIOBP-related condition.

Allele frequency attached by ClinVar (database versions not stated): TOPMed 0.00005; ESP Exome Variant Server 0.00008; gnomAD 0.00011; gnomAD exomes 0.00013; ExAC 0.00029; 1000 Genomes Project 30x 0.00141; 1000 Genomes Project 0.00180.
gnomAD v4.1: 211 of 1,613,994 alleles (0.013%); highest among the groups gnomAD compares: South Asian, 0.18%; 1 homozygote.

Submissions (2):

Labcorp Genetics (formerly Invitae), Labcorp
Classification: Uncertain significance. Last evaluated: 2022-01-21. Review status: criteria provided, single submitter. Criteria: Invitae Variant Classification Sherloc (09022015). Collection method: clinical testing. Allele origin: germline.
Comment: In summary, the available evidence is currently insufficient to determine the role of this variant in disease. Therefore, it has been classified as a Variant of Uncertain Significance. Algorithms developed to predict the effect of missense changes on protein structure and function are either unavailable or do not agree on the potential impact of this missense change (SIFT: "Deleterious"; PolyPhen-2: "Probably Damaging"; Align-GVGD: "Class C0"). This variant has not been reported in the literature in individuals affected with TRIOBP-related conditions. This variant is present in population databases (rs371064828, gnomAD 0.2%). This sequence change replaces arginine, which is basic and polar, with tryptophan, which is neutral and slightly polar, at codon 235 of the TRIOBP protein (p.Arg235Trp).

PreventionGenetics, part of Exact Sciences
Classification: Likely benign for TRIOBP-related condition. Last evaluated: 2023-10-17. Review status: no assertion criteria provided. Collection method: clinical testing. Allele origin: germline. Not counted in ClinVar's aggregate classification.
Comment: This variant is classified as likely benign based on ACMG/AMP sequence variant interpretation guidelines (Richards et al. 2015 PMID: 25741868, with internal and published modifications).

NM_001039141.3(TRIOBP):c.703C>T (p.Arg235Trp)

Gene: TRIOBP (TRIO and F-actin binding protein; plus strand). Cytogenetic location: 22q13.1.
Variant type: single nucleotide variant.
Coding change: c.703C>T on transcript NM_001039141.3 (MANE Select); coding-DNA position 703, C replaced by T.
Protein change: p.Arg235Trp; replaces arginine 235 with tryptophan.
Molecular consequence: missense variant.
Genome position (GRCh38, 1-based): chr22:37,723,259, C>T. VCF-style: chr22-37723259-C-T. GRCh37 (hg19) VCF-style: chr22-38119266-C-T.
Other names: c.703C>T (NM_001039141.2); short protein forms R235W.
Identifiers: ClinVar variation 2180245 (VCV002180245.4), dbSNP rs371064828, ClinGen allele CA10223435.